The following is an entry in ClinVar:

NM_001042492.3(NF1):c.6819+3A>C

Gene: NF1 (neurofibromin 1; plus strand). Cytogenetic location: 17q11.2.
Variant type: single nucleotide variant.
Coding change: c.6819+3A>C on transcript NM_001042492.3 (MANE Select); 3 bases into the intron after coding-DNA position 6819, A replaced by C.
Molecular consequence: intron variant.
Genome position (GRCh38, 1-based): chr17:31,338,142, A>C. VCF-style: chr17-31338142-A-C. GRCh37 (hg19) VCF-style: chr17-29665160-A-C.
Other names: c.6756+3A>C (NM_000267.4).
Identifiers: ClinVar variation 3237898 (VCV003237898.1), dbSNP rs1555534966.

ClinVar aggregate classification (germline): Pathogenic (1 of 4 stars; one submission).

Conditions:
Hereditary cancer-predisposing syndrome. Also called: Neoplastic Syndromes, Hereditary; Tumor predisposition; Hereditary neoplastic syndrome; Hereditary Cancer Syndrome. Identifiers: Orphanet 140162, MedGen C0027672, MeSH D009386, MONDO:0015356.
Cardiovascular phenotype. Identifiers: MedGen CN230736.

Submission:

Ambry Genetics
Classification: Pathogenic for Cardiovascular phenotype; Hereditary cancer-predisposing syndrome. Last evaluated: 2023-07-06. Review status: criteria provided, single submitter. Criteria: Ambry Variant Classification Scheme 2023. Collection method: clinical testing. Allele origin: germline.
Comment: The c.6756+3A>C intronic variant results from an A to C substitution 3 nucleotides after coding exon 44 in the NF1 gene. This nucleotide position is highly conserved in available vertebrate species. This alteration has been observed in at least one individual with a personal history that is consistent with NF1-related disease (Ambry internal data). In silico splice site analysis predicts that this alteration will weaken the native splice donor site. RNA studies have demonstrated that this alteration results in abnormal splicing in the set of samples tested (Ambry internal data). Additionally, other alterations impacting the same donor site (c.6756+1G>A and c.6756+1delG) have been shown to have a similar impact on splicing in RNA studies and were also observed in individuals with a personal history that is consistent with NF1-related disease (Ambry internal data). This variant is considered to be rare based on population cohorts in the Genome Aggregation Database (gnomAD). Based on the supporting evidence, this alteration is interpreted as a disease-causing mutation.